The following is an entry in ClinVar:

NM_020975.6(RET):c.1144C>T (p.Gln382Ter)

Gene: RET (ret proto-oncogene; plus strand). Cytogenetic location: 10q11.21.
Variant type: single nucleotide variant.
Coding change: c.1144C>T on transcript NM_020975.6 (MANE Select); coding-DNA position 1144, C replaced by T.
Protein change: p.Gln382Ter; replaces glutamine 382 with a stop codon.
Molecular consequence: nonsense. On other transcripts: intron variant (18).
Genome position (GRCh38, 1-based): chr10:43,109,111, C>T. VCF-style: chr10-43109111-C-T. GRCh37 (hg19) VCF-style: chr10-43604559-C-T.
Other names: c.382C>T, p.Gln128Ter (NM_001355216.2); c.1144C>T, p.Gln382Ter (NM_001406743.1, NM_001406763.1, NM_001406744.1 and 4 more transcripts); c.1015C>T, p.Gln339Ter (NM_001406762.1, NM_001406761.1, NM_001406764.1 and 1 more transcripts); c.856C>T, p.Gln286Ter (NM_001406766.1, NM_001406767.1, NM_001406770.1); c.706C>T, p.Gln236Ter (NM_001406771.1, NM_001406773.1); c.418C>T, p.Gln140Ter (NM_001406775.1, NM_001406776.1, NM_001406777.1 and 1 more transcripts); c.154C>T, p.Gln52Ter (NM_001406784.1); c.868-2096C>T (NM_001406772.1, NM_001406769.1); and 5 more; short protein forms Q128*, Q140*, Q236*, Q286*, Q339*, Q382*, Q52*.
Identifiers: ClinVar variation 3365564 (VCV003365564.1).

ClinVar aggregate classification (germline): Pathogenic (1 of 4 stars; one submission).

Submission:

GeneDx
Classification: Pathogenic. Last evaluated: 2024-04-15. Review status: criteria provided, single submitter. Criteria: GeneDx Variant Classification Process June 2021. Collection method: clinical testing. Allele origin: germline. Affected: yes.
Comment: Nonsense variant predicted to result in protein truncation or nonsense mediated decay in a gene for which loss of function is a known mechanism of disease; Not observed at significant frequency in large population cohorts (gnomAD); Has not been previously published as pathogenic or benign to our knowledge